The following is an entry in ClinVar:

NM_000363.5(TNNI3):c.70T>A (p.Ser24Thr)

Gene: TNNI3 (troponin I3, cardiac type; minus strand). Cytogenetic location: 19q13.42.
Variant type: single nucleotide variant.
Coding change: c.70T>A on transcript NM_000363.5 (MANE Select); coding-DNA position 70, T replaced by A.
Protein change: p.Ser24Thr; replaces serine 24 with threonine.
Molecular consequence: missense variant.
Genome position (GRCh38, 1-based): chr19:55,157,088, A>T on the plus strand (T>A on the coding strand, the complement: TNNI3 is on the minus strand). VCF-style: chr19-55157088-A-T. GRCh37 (hg19) VCF-style: chr19-55668456-A-T.
Other names: short protein forms S24T.
Identifiers: ClinVar variation 1008684 (VCV001008684.7), dbSNP rs2085738488, ClinGen allele CA407443054.

ClinVar aggregate classification (germline): Uncertain significance. Review status: criteria provided, multiple submitters, no conflicts (2 of 4 stars). 2 submissions from 2 submitters: Uncertain significance (2). Last evaluated 2024-03-06.

Conditions:
Cardiomyopathy (CMYO). Also called: Cardiomyopathies. Identifiers: Orphanet 167848, MedGen C0878544, MONDO:0004994, HP:0001638. Inheritance: Various modes of inheritance.
Hypertrophic cardiomyopathy. Also called: HYPERTROPHIC MYOCARDIOPATHY. Identifiers: Orphanet 217569, MedGen C0007194, MeSH D002312, MONDO:0005045, HP:0001639.

Submissions (2):

Color Diagnostics, LLC DBA Color Health
Classification: Uncertain significance for Cardiomyopathy. Last evaluated: 2024-03-06. Review status: criteria provided, single submitter. Criteria: ACMG Guidelines, 2015. Collection method: clinical testing. Allele origin: germline.
Comment: This missense variant replaces serine with threonine at codon 24 of the TNNI3 protein. Computational prediction tools indicate that this variant has a neutral impact on protein structure and function. To our knowledge, functional studies have not been reported for this variant. This variant has not been reported in individuals affected with TNNI3-related disorders in the literature. This variant has not been identified in the general population by the Genome Aggregation Database (gnomAD). The available evidence is insufficient to determine the role of this variant in disease conclusively. Therefore, this variant is classified as a Variant of Uncertain Significance.

Labcorp Genetics (formerly Invitae), Labcorp
Classification: Uncertain significance for Hypertrophic cardiomyopathy. Last evaluated: 2020-03-09. Review status: criteria provided, single submitter. Criteria: Invitae Variant Classification Sherloc (09022015). Collection method: clinical testing. Allele origin: germline.
Comment: In summary, the available evidence is currently insufficient to determine the role of this variant in disease. Therefore, it has been classified as a Variant of Uncertain Significance. Algorithms developed to predict the effect of missense changes on protein structure and function are either unavailable or do not agree on the potential impact of this missense change (SIFT: "Deleterious"; PolyPhen-2: "Possibly Damaging"; Align-GVGD: "Class C0"). This variant has not been reported in the literature in individuals with TNNI3-related conditions. This variant is not present in population databases (ExAC no frequency). This sequence change replaces serine with threonine at codon 24 of the TNNI3 protein (p.Ser24Thr). The serine residue is highly conserved and there is a small physicochemical difference between serine and threonine.